The following is an entry in ClinVar:

NM_002972.4(SBF1):c.1600G>A (p.Glu534Lys)

Gene: SBF1 (SET binding factor 1; minus strand). Cytogenetic location: 22q13.33.
Variant type: single nucleotide variant.
Coding change: c.1600G>A on transcript NM_002972.4 (MANE Select); coding-DNA position 1600, G replaced by A.
Protein change: p.Glu534Lys; replaces glutamic acid 534 with lysine.
Molecular consequence: missense variant.
Genome position (GRCh38, 1-based): chr22:50,464,570, C>T on the plus strand (G>A on the coding strand, the complement: SBF1 is on the minus strand). VCF-style: chr22-50464570-C-T. GRCh37 (hg19) VCF-style: chr22-50902999-C-T.
Other names: c.1603G>A, p.Glu535Lys (NM_001365819.1, NM_001410794.1); c.1600G>A, p.Glu534Lys (NM_001410795.1, NM_197971.1); short protein forms E535K, E534K.
Identifiers: ClinVar variation 2132830 (VCV002132830.1), dbSNP rs1367741304, ClinGen allele CA412217506.
Genomic context (GRCh38, chr22:50,464,570, plus strand): 5'-GCCTTCCCCTCCCTCATTACGCACTCATGGGGGGCCCTGAGGGCACGGTGGTCCTCCTCT[C>T]GGCCTTCACAGCTGGGGGTGCACCCTGCATCTTGGCTGCAGCCTGGTCCACGATCCACTG-3'
Protein context (NP_002963.2, residues 524-544): MQGAPPAVKA[Glu534Lys]RRTTVPSGPP

ClinVar aggregate classification (germline): Uncertain significance (1 of 4 stars; one submission).

Allele frequency attached by ClinVar (database versions not stated): gnomAD 0.00001; TOPMed 0.00001.
gnomAD v4.1: 9 of 1,611,886 alleles (0.00056%); highest among the groups gnomAD compares: Admixed American, 0.0017%; no homozygotes.

Submission:

Labcorp Genetics (formerly Invitae), Labcorp
Classification: Uncertain significance. Last evaluated: 2022-08-09. Review status: criteria provided, single submitter. Criteria: Invitae Variant Classification Sherloc (09022015). Collection method: clinical testing. Allele origin: germline.
Comment: This sequence change replaces glutamic acid, which is acidic and polar, with lysine, which is basic and polar, at codon 534 of the SBF1 protein (p.Glu534Lys). The frequency data for this variant in the population databases is considered unreliable, as metrics indicate poor data quality at this position in the gnomAD database. This variant has not been reported in the literature in individuals affected with SBF1-related conditions. Algorithms developed to predict the effect of missense changes on protein structure and function are either unavailable or do not agree on the potential impact of this missense change (SIFT: "Tolerated"; PolyPhen-2: "Probably Damaging"; Align-GVGD: "Class C0"). In summary, the available evidence is currently insufficient to determine the role of this variant in disease. Therefore, it has been classified as a Variant of Uncertain Significance.